The following is an entry in ClinVar:

ClinVar aggregate classification (germline): Uncertain significance (1 of 4 stars; one submission).

gnomAD v4.1: 19 of 1,599,484 alleles (0.0012%); highest among the groups gnomAD compares: Non-Finnish European, 0.0015%; no homozygotes.

Submission:

Labcorp Genetics (formerly Invitae), Labcorp
Classification: Uncertain significance. Last evaluated: 2022-03-11. Review status: criteria provided, single submitter. Criteria: Invitae Variant Classification Sherloc (09022015). Collection method: clinical testing. Allele origin: germline.
Comment: This sequence change replaces threonine, which is neutral and polar, with methionine, which is neutral and non-polar, at codon 32 of the COL7A1 protein (p.Thr32Met). This variant is present in population databases (no rsID available, gnomAD 0.007%). This variant has not been reported in the literature in individuals affected with COL7A1-related conditions. Algorithms developed to predict the effect of missense changes on protein structure and function are either unavailable or do not agree on the potential impact of this missense change (SIFT: "Tolerated"; PolyPhen-2: "Not Available"; Align-GVGD: "Class C0"). In summary, the available evidence is currently insufficient to determine the role of this variant in disease. Therefore, it has been classified as a Variant of Uncertain Significance.

NM_000094.4(COL7A1):c.95C>T (p.Thr32Met)

Gene: COL7A1 (collagen type VII alpha 1 chain; minus strand). Cytogenetic location: 3p21.31.
Variant type: single nucleotide variant.
Coding change: c.95C>T on transcript NM_000094.4 (MANE Select); coding-DNA position 95, C replaced by T.
Protein change: p.Thr32Met; replaces threonine 32 with methionine.
Molecular consequence: missense variant.
Genome position (GRCh38, 1-based): chr3:48,594,539, G>A on the plus strand (C>T on the coding strand, the complement: COL7A1 is on the minus strand). VCF-style: chr3-48594539-G-A. GRCh37 (hg19) VCF-style: chr3-48631972-G-A.
Other names: short protein forms T32M.
Identifiers: ClinVar variation 2148158 (VCV002148158.1), dbSNP rs775869590, ClinGen allele CA352749984.